The following is an entry in ClinVar:

NM_014271.4(IL1RAPL1):c.276C>T (p.Asp92=)

Gene: IL1RAPL1 (interleukin 1 receptor accessory protein like 1; plus strand). Cytogenetic location: Xp21.3.
Variant type: single nucleotide variant.
Coding change: c.276C>T on transcript NM_014271.4 (MANE Select); coding-DNA position 276, C replaced by T.
Protein change: p.Asp92=; no amino-acid change (aspartic acid 92 retained).
Molecular consequence: synonymous variant.
Genome position (GRCh38, 1-based): chrX:29,283,131, C>T. VCF-style: chrX-29283131-C-T. GRCh37 (hg19) VCF-style: chrX-29301248-C-T.
Identifiers: ClinVar variation 1988472 (VCV001988472.26), dbSNP rs771532815, ClinGen allele CA328232597.

ClinVar aggregate classification (germline): Likely benign. Review status: criteria provided, multiple submitters, no conflicts (2 of 4 stars). 2 submissions from 2 submitters: Likely benign (2). Last evaluated 2024-02-01.

Allele frequency attached by ClinVar (database versions not stated): gnomAD exomes 0.00001; gnomAD 0.00002; 1000 Genomes Project 30x 0.00021; 1000 Genomes Project 0.00026.
gnomAD v4.1: 14 of 1,209,540 alleles (0.0012%); highest among the groups gnomAD compares: East Asian, 0.003%; no homozygotes.

Submissions (2):

CeGaT Center for Human Genetics Tuebingen
Classification: Likely benign. Last evaluated: 2024-02-01. Review status: criteria provided, single submitter. Criteria: CeGaT Center For Human Genetics Tuebingen Variant Classification Criteria Version 2. Collection method: clinical testing. Allele origin: germline. Affected: yes. Observed: 1 variant allele.
Comment: IL1RAPL1: BP4, BP7

Labcorp Genetics (formerly Invitae), Labcorp
Classification: Likely benign. Last evaluated: 2022-11-08. Review status: criteria provided, single submitter. Criteria: Invitae Variant Classification Sherloc (09022015). Collection method: clinical testing. Allele origin: germline.